The following is an entry in ClinVar:

NM_000334.4(SCN4A):c.3454G>A (p.Ala1152Thr)

Genes: GH-LCR (growth hormone locus control region; plus strand), SCN4A (sodium voltage-gated channel alpha subunit 4; minus strand). Cytogenetic location: 17q23.3.
Variant type: single nucleotide variant.
Coding change: c.3454G>A on transcript NM_000334.4 (MANE Select); coding-DNA position 3454, G replaced by A.
Protein change: p.Ala1152Thr; replaces alanine 1152 with threonine.
Molecular consequence: missense variant.
Genome position (GRCh38, 1-based): chr17:63,945,626, C>T on the plus strand (G>A on the coding strand, the complement: SCN4A is on the minus strand). VCF-style: chr17-63945626-C-T. GRCh37 (hg19) VCF-style: chr17-62022986-C-T.
Other names: short protein forms A1152T.
Identifiers: ClinVar variation 2872545 (VCV002872545.4), dbSNP rs2509291043, ClinGen allele CA400618822.

ClinVar aggregate classification (germline): Uncertain significance. Review status: criteria provided, multiple submitters, no conflicts (2 of 4 stars). 2 submissions from 2 submitters: Uncertain significance (2). Last evaluated 2024-06-19.

Conditions:
Hyperkalemic periodic paralysis. Also called: Gamstorp disease; Familial hyperkalemic periodic paralysis. Identifiers: Orphanet 682, MedGen C0238357, MONDO:0008224, OMIM 170500, HP:0007215.
Congenital myopathy 22A, classic (CMYO22A). Identifiers: MedGen C5830453, MONDO:0957247, OMIM 620351.
Hypokalemic periodic paralysis, type 2 (HOKPP2). Identifiers: Orphanet 681, MedGen C2750061, MONDO:0013234, OMIM 613345.
Congenital myopathy 22B, severe fetal (CMYO22B). Identifiers: MedGen C5830501, MONDO:0957265, OMIM 620369.
Congenital myasthenic syndrome 16. Identifiers: Orphanet 590, MedGen C3280112, MONDO:0013620, OMIM 614198.
Potassium-aggravated myotonia. Also called: MYOTONIA CONGENITA, ACETAZOLAMIDE-RESPONSIVE; MYOTONIA CONGENITA, ATYPICAL; SODIUM CHANNEL MUSCLE DISEASE; Myotonia congenita, atypical, acetazolamide-responsive. Identifiers: Orphanet 612, Orphanet 99734, Orphanet 99735, Orphanet 99736, MedGen C2931826, MONDO:0018959, OMIM 608390.
Paramyotonia congenita of Von Eulenburg. Also called: Eulenburg disease; Myotonia congenita intermittens; Von Eulenburg paramyotonia congenita; Paramyotonia Congenita; PARALYSIS PERIODICA PARAMYOTONICA. Identifiers: Orphanet 684, MedGen C0221055, MONDO:0008195, OMIM 168300. Disease mechanism: loss of function.

Allele frequency attached by ClinVar (database versions not stated): gnomAD exomes below 0.00001.

Submissions (2):

Fulgent Genetics
Classification: Uncertain significance for Paramyotonia congenita of Von Eulenburg; Hyperkalemic periodic paralysis; Potassium-aggravated myotonia; Hypokalemic periodic paralysis, type 2; Congenital myasthenic syndrome 16; Congenital myopathy 22A, classic; Congenital myopathy 22B, severe fetal. Last evaluated: 2024-06-19. Review status: criteria provided, single submitter. Criteria: ACMG Guidelines, 2015. Collection method: clinical testing. Allele origin: germline.

Labcorp Genetics (formerly Invitae), Labcorp
Classification: Uncertain significance for Hyperkalemic periodic paralysis. Last evaluated: 2023-04-27. Review status: criteria provided, single submitter. Criteria: Invitae Variant Classification Sherloc (09022015). Collection method: clinical testing. Allele origin: germline.
Comment: In summary, the available evidence is currently insufficient to determine the role of this variant in disease. Therefore, it has been classified as a Variant of Uncertain Significance. This variant disrupts the p.Ala1152 amino acid residue in SCN4A. Other variant(s) that disrupt this residue have been determined to be pathogenic (PMID: 15790667; Invitae). This suggests that this residue is clinically significant, and that variants that disrupt this residue are likely to be disease-causing. Advanced modeling of protein sequence and biophysical properties (such as structural, functional, and spatial information, amino acid conservation, physicochemical variation, residue mobility, and thermodynamic stability) has been performed at Invitae for this missense variant, however the output from this modeling did not meet the statistical confidence thresholds required to predict the impact of this variant on SCN4A protein function. This missense change has been observed in individual(s) with clinical features of paramyotonia congenita (Invitae). This variant is not present in population databases (gnomAD no frequency). This sequence change replaces alanine, which is neutral and non-polar, with threonine, which is neutral and polar, at codon 1152 of the SCN4A protein (p.Ala1152Thr).

Literature cited by the submitters: PubMed 15790667 (cited by Labcorp Genetics (formerly Invitae), Labcorp).